The following is an entry in ClinVar:

NM_002693.3(POLG):c.3643+180G>A

Genes: FANCI (FA complementation group I; plus strand), POLG (DNA polymerase gamma, catalytic subunit; minus strand). Cytogenetic location: 15q26.1.
Variant type: single nucleotide variant.
Coding change: c.3643+180G>A on transcript NM_002693.3 (MANE Select); 180 bases into the intron after coding-DNA position 3643, G replaced by A.
Molecular consequence: intron variant. On other transcripts: 3 prime UTR variant (1).
Genome position (GRCh38, 1-based): chr15:89,317,196, C>T on the plus strand (G>A on the coding strand, the complement: POLG is on the minus strand). VCF-style: chr15-89317196-C-T. GRCh37 (hg19) VCF-style: chr15-89860427-C-T.
Other names: c.*737C>T (NM_018193.3); c.3643+180G>A (NM_001126131.2).
Identifiers: ClinVar variation 619393 (VCV000619393.5), dbSNP rs3176238, ClinGen allele CA10602325.

ClinVar aggregate classification (germline): Benign/Likely benign. Review status: criteria provided, multiple submitters, no conflicts (2 of 4 stars). 3 submissions from 3 submitters: Benign (1); Likely benign (2). Last evaluated 2019-07-25.

Conditions:
Progressive sclerosing poliodystrophy (MTDPS4A). Also called: Alpers Syndrome; ALPERS DIFFUSE DEGENERATION OF CEREBRAL GRAY MATTER WITH HEPATIC CIRRHOSIS; Alpers-Huttenlocher Syndrome; Mitochondrial DNA depletion syndrome 4A (Alpers type); Mitochondrial DNA Depletion Syndrome 4A; Alpers-Huttenlocher Syndrome (AHS). Identifiers: Orphanet 726, MedGen C0205710, MONDO:0008758, OMIM 203700.

Allele frequency attached by ClinVar (database versions not stated): gnomAD exomes 0.40336; 1000 Genomes Project 30x 0.44660; TOPMed 0.46596; 1000 Genomes Project 0.44229; gnomAD 0.48246.
gnomAD v4.1: 266,199 of 636,918 alleles (42%); highest among the groups gnomAD compares: African/African-American, 62%; 57,629 homozygotes.

Submissions (3):

GeneDx
Classification: Benign. Last evaluated: 2019-07-25. Review status: criteria provided, single submitter. Criteria: GeneDx Variant Classification Process June 2021. Collection method: clinical testing. Allele origin: germline. Affected: yes.

Wong Mito Lab, Molecular and Human Genetics, Baylor College of Medicine
Classification: Likely benign for Progressive sclerosing poliodystrophy. Last evaluated: 2018-10-01. Review status: criteria provided, single submitter. Criteria: ACMG Guidelines, 2015. Collection method: clinical testing. Allele origin: germline.
Comment: The NM_002693.2:c.3643+180G>A (NP_002684.1:p.=) [GRCH38: NC_000015.10:g.89317196C>T] variant in POLG gene is interpretated to be a Likely Benign based on ACMG guidelines (PMID: 25741868). This variant meets the following evidence codes reported in the ACMG-guideline. BP4:Computational evidence/predictors indicate no impact on the POLG structure, function, or protein-protein interaction. BP6:Reputable source(s) without shared data suggest the variant is benign. Based on the evidence criteria codes applied, the variant is suggested to be Likely Benign.

Breakthrough Genomics
Classification: Likely benign. Review status: criteria provided, single submitter. Criteria: ACMG Guidelines, 2015. Collection method: not provided. Allele origin: germline. Inheritance: Autosomal recessive inheritance. Affected: yes.